The following is an entry in ClinVar:

Conditions:
Arteriohepatic dysplasia. Also called: Alagille Syndrome. Identifiers: Orphanet 52, MedGen C0085280, MeSH D016738, MONDO:0007318.

Submission:

Gilbert/Spinner Lab, Children's Hospital of Philadelphia
No classification provided (evidence only). Condition: Alagille syndrome. Review status: no classification provided. Collection method: research. Allele origin: not applicable. Functional consequence: functionally_abnormal.
ClinVar note: "not provided" was previously submitted as the classification for the variant. However, the classification appeared to be based only on an observation of functional data so it was converted to no classification on 2025-07-30.

NM_000214.3(JAG1):c.152A>G (p.Asn51Ser)

Gene: JAG1 (jagged canonical Notch ligand 1; minus strand). Cytogenetic location: 20p12.2.
Variant type: single nucleotide variant.
Coding change: c.152A>G on transcript NM_000214.3 (MANE Select); coding-DNA position 152, A replaced by G.
Protein change: p.Asn51Ser; replaces asparagine 51 with serine.
Molecular consequence: missense variant.
Genome position (GRCh38, 1-based): chr20:10,672,936, T>C on the plus strand (A>G on the coding strand, the complement: JAG1 is on the minus strand). VCF-style: chr20-10672936-T-C. GRCh37 (hg19) VCF-style: chr20-10653584-T-C.
Other names: short protein forms N51S.
Identifiers: ClinVar variation 3573252 (VCV003573252.2).